The following is an entry in ClinVar:

ClinVar aggregate classification (germline): Likely benign (1 of 4 stars; one submission).

Submission:

Women's Health and Genetics/Laboratory Corporation of America, LabCorp
Classification: Likely benign. Last evaluated: 2025-11-04. Review status: criteria provided, single submitter. Criteria: LabCorp Variant Classification Summary - May 2015. Collection method: clinical testing. Allele origin: germline.
Comment: Variant summary: FCSK c.582+15G>A alters a nucleotide located at a position not widely known to affect splicing. Consensus agreement among computation tools predict no significant impact on normal splicing. However, these predictions have yet to be confirmed by functional studies. The variant allele was found at a frequency of 5.5e-06 in 183092 control chromosomes. The available data on variant occurrences in the general population are insufficient to allow any conclusion about variant significance. To our knowledge, no occurrence of c.582+15G>A in individuals affected with FCSK-related conditions and no experimental evidence demonstrating its impact on protein function have been reported. No submitters have cited clinical-significance assessments for this variant to ClinVar. Based on the evidence outlined above, the variant was classified as likely benign.

NM_145059.3(FCSK):c.582+15G>A

Gene: FCSK (fucose kinase; plus strand). Cytogenetic location: 16q22.1.
Variant type: single nucleotide variant.
Coding change: c.582+15G>A on transcript NM_145059.3 (MANE Select); 15 bases into the intron after coding-DNA position 582, G replaced by A.
Molecular consequence: intron variant.
Genome position (GRCh38, 1-based): chr16:70,467,486, G>A. VCF-style: chr16-70467486-G-A. GRCh37 (hg19) VCF-style: chr16-70501389-G-A.
Identifiers: ClinVar variation 4537075 (VCV004537075.1).
Genomic context (GRCh38, chr16:70,467,486, plus strand): 5'-CCCGGCCTACGCTCAGAATCATGGCGTCTACCTAACTGACCCCCAGGTAGTGCCCCTGGG[G>A]ACAGTGGAGCCGGCTGGGGCAGCCTTCCTCCTGTCAGTGGGCAGCCTCCTCCCTGTCAGT-3'